The following is an entry in ClinVar:

ClinVar aggregate classification (germline): Uncertain significance (1 of 4 stars; one submission).

Conditions:
Familial acute necrotizing encephalopathy (IIAE3). Also called: ENCEPHALOPATHY, ACUTE, INFECTION-INDUCED, SUSCEPTIBILITY TO, 3; Susceptibility to Acute Necrotizing Encephalopathy 1. Identifiers: Orphanet 88619, MedGen C2675556, MONDO:0011953, OMIM 608033.

Submission:

Labcorp Genetics (formerly Invitae), Labcorp
Classification: Uncertain significance for Familial acute necrotizing encephalopathy. Last evaluated: 2025-05-01. Review status: criteria provided, single submitter. Criteria: Invitae Variant Classification Sherloc (09022015). Collection method: clinical testing. Allele origin: germline.
Comment: This sequence change replaces serine, which is neutral and polar, with cysteine, which is neutral and slightly polar, at codon 591 of the RANBP2 protein (p.Ser591Cys). This variant is present in population databases (rs749943607, gnomAD 0.004%). This variant has not been reported in the literature in individuals affected with RANBP2-related conditions. An algorithm developed to predict the effect of missense changes on protein structure and function (PolyPhen-2) suggests that this variant is likely to be tolerated. In summary, the available evidence is currently insufficient to determine the role of this variant in disease. Therefore, it has been classified as a Variant of Uncertain Significance.

NM_006267.5(RANBP2):c.1772C>G (p.Ser591Cys)

Gene: RANBP2 (RAN binding protein 2; plus strand). Cytogenetic location: 2q13.
Variant type: single nucleotide variant.
Coding change: c.1772C>G on transcript NM_006267.5 (MANE Select); coding-DNA position 1772, C replaced by G.
Protein change: p.Ser591Cys; replaces serine 591 with cysteine.
Molecular consequence: missense variant.
Genome position (GRCh38, 1-based): chr2:108,753,014, C>G. VCF-style: chr2-108753014-C-G. GRCh37 (hg19) VCF-style: chr2-109369470-C-G.
Other names: c.1772C>G, p.Ser591Cys (NM_001415871.1, NM_001415873.1); c.1769C>G, p.Ser590Cys (NM_001415872.1); short protein forms S590C, S591C.
Identifiers: ClinVar variation 4772978 (VCV004772978.1).